The following is an entry in ClinVar:

NM_000245.4(MET):c.1948_1949delinsCA (p.Ser650His)

Gene: MET (MET proto-oncogene, receptor tyrosine kinase; plus strand). Cytogenetic location: 7q31.2.
Variant type: Indel.
Coding change: c.1948_1949delinsCA on transcript NM_000245.4 (MANE Select); coding-DNA positions 1948 to 1949, AG replaced by CA.
Protein change: p.Ser650His; replaces serine 650 with histidine.
Molecular consequence: missense variant.
Genome position (GRCh38, 1-based): chr7:116,757,522-116,757,523, AG replaced by CA. VCF-style: chr7-116757522-AG-CA. GRCh37 (hg19) VCF-style: chr7-116397576-AG-CA.
Other names: c.1948_1949delinsCA, p.Ser650His (NM_001127500.3, NM_001324401.3); c.658_659delinsCA, p.Ser220His (NM_001324402.2); short protein forms S220H, S650H.
Identifiers: ClinVar variation 3294320 (VCV003294320.1).

ClinVar aggregate classification (germline): Uncertain significance (1 of 4 stars; one submission).

Conditions:
Hereditary cancer-predisposing syndrome. Also called: Tumor predisposition; Hereditary Cancer Syndrome; Hereditary neoplastic syndrome; Neoplastic Syndromes, Hereditary. Identifiers: Orphanet 140162, MedGen C0027672, MeSH D009386, MONDO:0015356.

Submission:

Ambry Genetics
Classification: Uncertain significance for Hereditary cancer-predisposing syndrome. Last evaluated: 2024-04-10. Review status: criteria provided, single submitter. Criteria: Ambry Variant Classification Scheme 2023. Collection method: clinical testing. Allele origin: germline.
Comment: The c.1948_1949delAGinsCA variant, located in coding exon 6 of the MET gene, results from an in-frame deletion of AG and insertion of CA at nucleotide positions 1948 to 1949. This results in the substitution of the serine residue for a histidine residue at codon 650, an amino acid with similar properties. This amino acid position is not well conserved in available vertebrate species. In addition, this alteration is predicted to be neutral by in silico analysis (Choi Y et al. PLoS ONE. 2012; 7(10):e46688). Based on the available evidence, the clinical significance of this variant remains unclear.